The following is an entry in ClinVar:

NM_001170629.2(CHD8):c.4379G>C (p.Arg1460Pro)

Gene: CHD8 (chromodomain helicase DNA binding protein 8; minus strand). Cytogenetic location: 14q11.2.
Variant type: single nucleotide variant.
Coding change: c.4379G>C on transcript NM_001170629.2 (MANE Select); coding-DNA position 4379, G replaced by C.
Protein change: p.Arg1460Pro; replaces arginine 1460 with proline.
Molecular consequence: missense variant.
Genome position (GRCh38, 1-based): chr14:21,400,604, C>G on the plus strand (G>C on the coding strand, the complement: CHD8 is on the minus strand). VCF-style: chr14-21400604-C-G. GRCh37 (hg19) VCF-style: chr14-21868763-C-G.
Other names: c.3542G>C, p.Arg1181Pro (NM_020920.4); short protein forms R1181P, R1460P.
Identifiers: ClinVar variation 2574347 (VCV002574347.1), dbSNP rs2501888825, ClinGen allele CA388894476.

ClinVar aggregate classification (germline): Uncertain significance (1 of 4 stars; one submission).

Submission:

GeneDx
Classification: Uncertain significance. Last evaluated: 2023-01-27. Review status: criteria provided, single submitter. Criteria: GeneDx Variant Classification Process June 2021. Collection method: clinical testing. Allele origin: germline. Affected: yes.
Comment: Not observed at significant frequency in large population cohorts (gnomAD); In silico analysis supports that this missense variant has a deleterious effect on protein structure/function; Has not been previously published as pathogenic or benign to our knowledge